The following is an entry in ClinVar:

NM_002582.4(PARN):c.1192+95G>C

Gene: PARN (poly(A)-specific ribonuclease; minus strand). Cytogenetic location: 16p13.12.
Variant type: single nucleotide variant.
Coding change: c.1192+95G>C on transcript NM_002582.4 (MANE Select); 95 bases into the intron after coding-DNA position 1192, G replaced by C.
Molecular consequence: intron variant.
Genome position (GRCh38, 1-based): chr16:14,582,086, C>G on the plus strand (G>C on the coding strand, the complement: PARN is on the minus strand). VCF-style: chr16-14582086-C-G. GRCh37 (hg19) VCF-style: chr16-14675943-C-G.
Other names: c.1009+95G>C (NM_001134477.3); c.1054+95G>C (NM_001242992.2).
Identifiers: ClinVar variation 1253543 (VCV001253543.5), dbSNP rs72787692, ClinGen allele CA14295204.

ClinVar aggregate classification (germline): Benign. Review status: criteria provided, multiple submitters, no conflicts (2 of 4 stars). 3 submissions from 3 submitters: Benign (3). Last evaluated 2024-01-24.

Allele frequency attached by ClinVar (database versions not stated): 1000 Genomes Project 30x 0.14834; TOPMed 0.21952; 1000 Genomes Project 0.14716.
gnomAD v4.1: 207,584 of 820,436 alleles (25%); highest among the groups gnomAD compares: Middle Eastern, 33%; 29,231 homozygotes.

Submissions (3):

Unidad de Genómica Garrahan, Hospital de Pediatría Garrahan
Classification: Benign. Last evaluated: 2024-01-24. Review status: criteria provided, single submitter. Criteria: ACMG Guidelines, 2015. Collection method: clinical testing. Allele origin: germline. Affected: no. Observed: 22 variant alleles.
Comment: This variant is classified as Benign based on local population frequency. This variant was detected in 23% of patients studied by a panel of primary immunodeficiencies. Number of patients: 22. Only high quality variants are reported.

GeneDx
Classification: Benign. Last evaluated: 2019-01-24. Review status: criteria provided, single submitter. Criteria: GeneDx Variant Classification Process June 2021. Collection method: clinical testing. Allele origin: germline. Affected: yes.

Breakthrough Genomics
Classification: Benign. Review status: criteria provided, single submitter. Criteria: ACMG Guidelines, 2015. Collection method: not provided. Allele origin: germline. Inheritance: Autosomal recessive inheritance. Affected: yes.